The following is an entry in ClinVar:

NM_000393.5(COL5A2):c.2661T>C (p.His887=)

Gene: COL5A2 (collagen type V alpha 2 chain; minus strand). Cytogenetic location: 2q32.2.
Variant type: single nucleotide variant.
Coding change: c.2661T>C on transcript NM_000393.5 (MANE Select); coding-DNA position 2661, T replaced by C.
Protein change: p.His887=; no amino-acid change (histidine 887 retained).
Molecular consequence: synonymous variant.
Genome position (GRCh38, 1-based): chr2:189,052,911, A>G on the plus strand (T>C on the coding strand, the complement: COL5A2 is on the minus strand). VCF-style: chr2-189052911-A-G. GRCh37 (hg19) VCF-style: chr2-189917637-A-G.
Identifiers: ClinVar variation 2920476 (VCV002920476.5), dbSNP rs764961048, ClinGen allele CA2022252.
Genomic context (GRCh38, chr2:189,052,911, plus strand): 5'-AATGTACACTCCAAACATGGGGCACTTGACTCAAGTTATGCCTTTTTCTTGTTAACTTAC[A>G]TGAGGGCCAGGGGATCCTGCTAAACCTTGTGGTCCAGGAGAACCAGCATCTCCCTTCTGT-3'
Protein context (NP_000384.2, residues 877-897): PQGLAGSPGP[His887=]GPNGVPGLKG

ClinVar aggregate classification (germline): Uncertain significance. Review status: criteria provided, multiple submitters, no conflicts (2 of 4 stars). 2 submissions from 2 submitters: Uncertain significance (2). Last evaluated 2025-02-18.

Conditions:
Ehlers-Danlos syndrome, classic type, 1 (EDSCL1). Also called: EDS I; EHLERS-DANLOS SYNDROME, GRAVIS TYPE; EHLERS-DANLOS SYNDROME, SEVERE CLASSIC TYPE; Ehlers-Danlos syndrome, type 1; Ehlers-Danlos Syndrome, Classic Type, COL5A1-Related. Identifiers: MedGen C0268335, MONDO:0019567, OMIM 130000.

Allele frequency attached by ClinVar (database versions not stated): TOPMed 0.00002; gnomAD 0.00001; ExAC 0.00002.
gnomAD v4.1: 5 of 1,613,850 alleles (0.00031%); highest among the groups gnomAD compares: Non-Finnish European, 0.00042%; no homozygotes.

Submissions (3):

Women's Health and Genetics/Laboratory Corporation of America, LabCorp
Classification: Uncertain significance. Last evaluated: 2025-02-18. Review status: criteria provided, single submitter. Criteria: LabCorp Variant Classification Summary - May 2015. Collection method: clinical testing. Allele origin: germline.
Comment: Variant summary: COL5A2 c.2661T>C (p.His887His) alters a conserved nucleotide located close to a canonical splice site and therefore could affect mRNA splicing, leading to a significantly altered protein sequence. Consensus agreement among computation tools predict no significant impact on normal splicing. However, these predictions have yet to be confirmed by functional studies. The variant allele was found at a frequency of 3.1e-06 in 1606856 control chromosomes in the gnomAD database (v4.1 dataset). The available data on variant occurrences in the general population are insufficient to allow any conclusion about variant significance. To our knowledge, no occurrence of c.2661T>C in individuals affected with Ehlers-Danlos syndrome, classic type, 2 and no experimental evidence demonstrating its impact on protein function have been reported. ClinVar contains an entry for this variant (Variation ID: 2920476). Based on the evidence outlined above, the variant was classified as uncertain significance.

Labcorp Genetics (formerly Invitae), Labcorp
Classification: Uncertain significance for Ehlers-Danlos syndrome, classic type, 1. Last evaluated: 2024-11-27. Review status: criteria provided, single submitter. Criteria: Invitae Variant Classification Sherloc (09022015). Collection method: clinical testing. Allele origin: germline.
Comment: This sequence change affects codon 887 of the COL5A2 mRNA. It is a 'silent' change, meaning that it does not change the encoded amino acid sequence of the COL5A2 protein. It affects a nucleotide within the consensus splice site. This variant is present in population databases (rs764961048, gnomAD 0.002%). This variant has not been reported in the literature in individuals affected with COL5A2-related conditions. ClinVar contains an entry for this variant (Variation ID: 2920476). Algorithms developed to predict the effect of sequence changes on RNA splicing suggest that this variant is not likely to affect RNA splicing. In summary, the available evidence is currently insufficient to determine the role of this variant in disease. Therefore, it has been classified as a Variant of Uncertain Significance.

Dr. Peter K. Rogan Lab, Western University
No classification provided (evidence only). Condition: Clear cell carcinoma of kidney. Review status: no classification provided. Collection method: in vitro. Allele origin: not applicable. Functional consequence: retained intron. Not counted in ClinVar's aggregate classification.